The following is an entry in ClinVar:

NM_006361.6(HOXB13):c.76A>C (p.Asn26His)

Gene: HOXB13 (homeobox B13; minus strand). Cytogenetic location: 17q21.32.
Variant type: single nucleotide variant.
Coding change: c.76A>C on transcript NM_006361.6 (MANE Select); coding-DNA position 76, A replaced by C.
Protein change: p.Asn26His; replaces asparagine 26 with histidine.
Molecular consequence: missense variant.
Genome position (GRCh38, 1-based): chr17:48,728,518, T>G on the plus strand (A>C on the coding strand, the complement: HOXB13 is on the minus strand). VCF-style: chr17-48728518-T-G. GRCh37 (hg19) VCF-style: chr17-46805880-T-G.
Other names: short protein forms N26H.
Identifiers: ClinVar variation 1760191 (VCV001760191.4), dbSNP rs1597935195, ClinGen allele CA400109580.

ClinVar aggregate classification (germline): Uncertain significance. Review status: criteria provided, multiple submitters, no conflicts (2 of 4 stars). 2 submissions from 2 submitters: Uncertain significance (2). Last evaluated 2026-01-05.

Conditions:
Hereditary cancer-predisposing syndrome. Also called: Neoplastic Syndromes, Hereditary; Tumor predisposition; Hereditary Cancer Syndrome; Hereditary neoplastic syndrome. Identifiers: Orphanet 140162, MedGen C0027672, MeSH D009386, MONDO:0015356.

Allele frequency attached by ClinVar (database versions not stated): TOPMed below 0.00001.

Submissions (2):

Labcorp Genetics (formerly Invitae), Labcorp
Classification: Uncertain significance. Last evaluated: 2026-01-05. Review status: criteria provided, single submitter. Criteria: Invitae Variant Classification Sherloc (09022015). Collection method: clinical testing. Allele origin: germline.
Comment: This sequence change replaces asparagine, which is neutral and polar, with histidine, which is basic and polar, at codon 26 of the HOXB13 protein (p.Asn26His). This variant is not present in population databases (gnomAD no frequency). This variant has not been reported in the literature in individuals affected with HOXB13-related conditions. ClinVar contains an entry for this variant (Variation ID: 1760191). An algorithm developed to predict the effect of missense changes on protein structure and function outputs the following: PolyPhen-2: "Benign". The histidine amino acid residue is found in multiple mammalian species, which suggests that this missense change does not adversely affect protein function. In summary, the available evidence is currently insufficient to determine the role of this variant in disease. Therefore, it has been classified as a Variant of Uncertain Significance.

Ambry Genetics
Classification: Uncertain significance for Hereditary cancer-predisposing syndrome. Last evaluated: 2025-05-02. Review status: criteria provided, single submitter. Criteria: Ambry Variant Classification Scheme 2023. Collection method: clinical testing. Allele origin: germline.
Comment: The p.N26H variant (also known as c.76A>C), located in coding exon 1 of the HOXB13 gene, results from an A to C substitution at nucleotide position 76. The asparagine at codon 26 is replaced by histidine, an amino acid with similar properties. This amino acid position is not well conserved in available vertebrate species. In addition, this alteration is predicted to be tolerated by in silico analysis. Since supporting evidence is limited at this time, the clinical significance of this alteration remains unclear.